The following is an entry in ClinVar:

ClinVar aggregate classification (germline): Uncertain significance. Review status: criteria provided, multiple submitters, no conflicts (2 of 4 stars). 2 submissions from 2 submitters: Uncertain significance (2). Last evaluated 2025-06-17.

Allele frequency attached by ClinVar (database versions not stated): gnomAD exomes 0.00001; TOPMed 0.00001.

Submissions (2):

Ambry Genetics
Classification: Uncertain significance. Last evaluated: 2025-06-17. Review status: criteria provided, single submitter. Criteria: Ambry Variant Classification Scheme 2023. Collection method: clinical testing. Allele origin: germline.

Labcorp Genetics (formerly Invitae), Labcorp
Classification: Uncertain significance. Last evaluated: 2023-10-03. Review status: criteria provided, single submitter. Criteria: Invitae Variant Classification Sherloc (09022015). Collection method: clinical testing. Allele origin: germline.
Comment: This sequence change replaces threonine, which is neutral and polar, with methionine, which is neutral and non-polar, at codon 158 of the EXOSC2 protein (p.Thr158Met). This variant is present in population databases (no rsID available, gnomAD 0.003%). This variant has not been reported in the literature in individuals affected with EXOSC2-related conditions. ClinVar contains an entry for this variant (Variation ID: 1410345). Advanced modeling of protein sequence and biophysical properties (such as structural, functional, and spatial information, amino acid conservation, physicochemical variation, residue mobility, and thermodynamic stability) performed at Invitae indicates that this missense variant is not expected to disrupt EXOSC2 protein function. In summary, the available evidence is currently insufficient to determine the role of this variant in disease. Therefore, it has been classified as a Variant of Uncertain Significance.

NM_014285.7(EXOSC2):c.473C>T (p.Thr158Met)

Gene: EXOSC2 (exosome component 2; plus strand). Cytogenetic location: 9q34.12.
Variant type: single nucleotide variant.
Coding change: c.473C>T on transcript NM_014285.7 (MANE Select); coding-DNA position 473, C replaced by T.
Protein change: p.Thr158Met; replaces threonine 158 with methionine.
Molecular consequence: missense variant. On other transcripts: intron variant (1).
Genome position (GRCh38, 1-based): chr9:130,700,913, C>T. VCF-style: chr9-130700913-C-T. GRCh37 (hg19) VCF-style: chr9-133576300-C-T.
Other names: c.383C>T, p.Thr128Met (NM_001282709.1); c.427-1230C>T (NM_001282708.1); c.473C>T (NM_014285.5); short protein forms T128M, T158M.
Identifiers: ClinVar variation 1410345 (VCV001410345.5), dbSNP rs1255734860, ClinGen allele CA375247724.
Genomic context (GRCh38, chr9:130,700,913, plus strand): 5'-ATCACCCTGGCCAGGCTGAGGTCCAGGCAGTGTTCTCTGACGGAGCTGTCTCTTTGCACA[C>T]GAGGAGCCTGAAATATGGAAAAGTAAGTCGGGCTCTTGATGTTCCTGTTTGCTGACTGAG-3'
Protein context (NP_055100.2, residues 148-168): VFSDGAVSLH[Thr158Met]RSLKYGKLGQ